The following is an entry in ClinVar:

NM_000038.6(APC):c.1743+2_1743+3insGAGGAGCCAAGATGGCCGAATAGGAACAGCTCCGGTCTACAGCTCCCAGCGTGAGCGACGCAGAAGACGGTGATNNNNNNNNNNAAAAAAAAAAAAAAAAAAAAAGAAGTTAAAAAGGT

Gene: APC (APC regulator of Wnt signaling pathway; plus strand). Cytogenetic location: 5q22.2.
Variant type: Insertion.
Coding change: c.1743+2_1743+3insGAGGAGCCAAGATGGCCGAATAGGAACAGCTCCGGTCTACAGCTCCCAGCGTGAGCGACGCAGAAGACGGTGATNNNNNNNNNNAAAAAAAAAAAAAAAAAAAAAGAAGTTAAAAAGGT on transcript NM_000038.6 (MANE Select); the canonical splice donor site of the intron after coding-DNA position 1743 through 3 bases into the intron after coding-DNA position 1743, GAGGAGCCAAGATGGCCGAATAGGAACAGCTCCGGTCTACAGCTCCCAGCGTGAGCGACGCAGAAGACGGTGATNNNNNNNNNNAAAAAAAAAAAAAAAAAAAAAGAAGTTAAAAAGGT inserted.
Molecular consequence: splice donor variant.
Genome position: GRCh38: chr5:112,828,974-112,828,975. GRCh37 (hg19): chr5:112,164,671-112,164,672.
Other names: c.1743+2_1743+3insGAGGAGCCAAGATGGCCGAATAGGAACAGCTCCGGTCTACAGCTCCCAGCGTGAGCGACGCAGAAGACGGTGATNNNNNNNNNNAAAAAAAAAAAAAAAAAAAAAGAAGTTAAAAAGGT (NM_001354895.2, NM_001127510.3); c.1773+2_1773+3insGAGGAGCCAAGATGGCCGAATAGGAACAGCTCCGGTCTACAGCTCCCAGCGTGAGCGACGCAGAAGACGGTGATNNNNNNNNNNAAAAAAAAAAAAAAAAAAAAAGAAGTTAAAAAGGT (NM_001354897.2); c.1470+2_1470+3insGAGGAGCCAAGATGGCCGAATAGGAACAGCTCCGGTCTACAGCTCCCAGCGTGAGCGACGCAGAAGACGGTGATNNNNNNNNNNAAAAAAAAAAAAAAAAAAAAAGAAGTTAAAAAGGT (NM_001354902.2); c.1689+2_1689+3insGAGGAGCCAAGATGGCCGAATAGGAACAGCTCCGGTCTACAGCTCCCAGCGTGAGCGACGCAGAAGACGGTGATNNNNNNNNNNAAAAAAAAAAAAAAAAAAAAAGAAGTTAAAAAGGT (NM_001127511.3); c.1668+2_1668+3insGAGGAGCCAAGATGGCCGAATAGGAACAGCTCCGGTCTACAGCTCCCAGCGTGAGCGACGCAGAAGACGGTGATNNNNNNNNNNAAAAAAAAAAAAAAAAAAAAAGAAGTTAAAAAGGT (NM_001354898.2); c.1365+2_1365+3insGAGGAGCCAAGATGGCCGAATAGGAACAGCTCCGGTCTACAGCTCCCAGCGTGAGCGACGCAGAAGACGGTGATNNNNNNNNNNAAAAAAAAAAAAAAAAAAAAAGAAGTTAAAAAGGT (NM_001354904.2); c.894+2_894+3insGAGGAGCCAAGATGGCCGAATAGGAACAGCTCCGGTCTACAGCTCCCAGCGTGAGCGACGCAGAAGACGGTGATNNNNNNNNNNAAAAAAAAAAAAAAAAAAAAAGAAGTTAAAAAGGT (NM_001354906.2); c.1797+2_1797+3insGAGGAGCCAAGATGGCCGAATAGGAACAGCTCCGGTCTACAGCTCCCAGCGTGAGCGACGCAGAAGACGGTGATNNNNNNNNNNAAAAAAAAAAAAAAAAAAAAAGAAGTTAAAAAGGT (NM_001354896.2); and 5 more.
Identifiers: ClinVar variation 1384318 (VCV001384318.6), dbSNP rs2149818427.

ClinVar aggregate classification (germline): Uncertain significance (1 of 4 stars; one submission).

Conditions:
Familial adenomatous polyposis 1 (FAP1). Also called: POLYPOSIS, ADENOMATOUS INTESTINAL; FAMILIAL ADENOMATOUS POLYPOSIS 1, ATTENUATED. Identifiers: MedGen C2713442, MONDO:0021056, OMIM 175100. Disease mechanism: loss of function.

Submission:

Labcorp Genetics (formerly Invitae), Labcorp
Classification: Uncertain significance for Familial adenomatous polyposis 1. Last evaluated: 2021-10-03. Review status: criteria provided, single submitter. Criteria: Invitae Variant Classification Sherloc (09022015). Collection method: clinical testing. Allele origin: germline.
Comment: This variant is not present in population databases (ExAC no frequency). This sequence change falls in intron 14 of the APC gene. It does not directly change the encoded amino acid sequence of the APC protein. It affects a nucleotide within the consensus splice site of the intron. This variant has not been reported in the literature in individuals affected with APC-related conditions. In summary, the available evidence is currently insufficient to determine the role of this variant in disease. Therefore, it has been classified as a Variant of Uncertain Significance. Variants that disrupt the consensus splice site are a relatively common cause of aberrant splicing (PMID: 17576681, 9536098). Algorithms developed to predict the effect of sequence changes on RNA splicing suggest that this variant may create or strengthen a splice site.

Literature cited by the submitters: PubMed 17576681; PubMed 9536098.